The following is an entry in ClinVar:

NM_001142864.4(PIEZO1):c.727C>T (p.Arg243Trp)

Genes: HSALR1 (HSP90AB1 associated lncRNA 1; plus strand), PIEZO1 (piezo type mechanosensitive ion channel component 1 (Er blood group); minus strand). Cytogenetic location: 16q24.3.
Variant type: single nucleotide variant.
Coding change: c.727C>T on transcript NM_001142864.4 (MANE Select); coding-DNA position 727, C replaced by T.
Protein change: p.Arg243Trp; replaces arginine 243 with tryptophan.
Molecular consequence: missense variant. On other transcripts: non-coding transcript variant (1).
Genome position (GRCh38, 1-based): chr16:88,738,348, G>A on the plus strand (C>T on the coding strand, the complement: PIEZO1 is on the minus strand). VCF-style: chr16-88738348-G-A. GRCh37 (hg19) VCF-style: chr16-88804756-G-A.
Other names: short protein forms R243W.
Identifiers: ClinVar variation 4079628 (VCV004079628.2).

ClinVar aggregate classification (germline): Uncertain significance. Review status: criteria provided, multiple submitters, no conflicts (2 of 4 stars). 2 submissions from 2 submitters: Uncertain significance (2). Last evaluated 2025-07-22.

Conditions:
Lymphatic malformation 6 (LMPHM6). Also called: GENERALIZED LYMPHATIC DYSPLASIA OF FOTIOU; Lymphedema, hereditary, III; PIEZO1-related generalized lymphatic dysplasia with non-immune hydrops fetalis. Identifiers: Orphanet 568062, MedGen C4225184, MONDO:0014797, OMIM 616843.

Submissions (2):

Clinical Genomics Laboratory, Washington University in St. Louis
Classification: Uncertain significance for Lymphatic malformation 6. Last evaluated: 2025-07-22. Review status: criteria provided, single submitter. Criteria: ACMG Guidelines, 2015. Collection method: clinical testing. Allele origin: germline.
Comment: A PIEZO1 c.727C>T (p.Arg243Trp) variant was identified at a near heterozygous allelic fraction of 47.5%, a frequency which may be consistent with it being of germline origin. This variant, to our knowledge, has not been reported in the medical literature. This variant is only observed on 20/1,535,872 alleles in the general population (gnomAD v4.1.0), indicating it is not a common variant. Computational predictors suggest that the variant does not impact PIEZO1 function. Due to limited information, and based on ACMG/AMP guidelines for variant interpretation (Richards S et al., PMID: 25741868), the clinical significance of this variant is uncertain at this time.

Revvity Omics, Revvity
Classification: Uncertain significance. Last evaluated: 2024-09-13. Review status: criteria provided, single submitter. Criteria: ACMG Guidelines, 2015. Collection method: clinical testing. Allele origin: germline.